The following is an entry in ClinVar:

NM_032776.3(JMJD1C):c.5212C>T (p.Arg1738Cys)

Gene: JMJD1C (jumonji domain containing 1C; minus strand). Cytogenetic location: 10q21.3.
Variant type: single nucleotide variant.
Coding change: c.5212C>T on transcript NM_032776.3 (MANE Select); coding-DNA position 5212, C replaced by T.
Protein change: p.Arg1738Cys; replaces arginine 1738 with cysteine.
Molecular consequence: missense variant.
Genome position (GRCh38, 1-based): chr10:63,200,540, G>A on the plus strand (C>T on the coding strand, the complement: JMJD1C is on the minus strand). VCF-style: chr10-63200540-G-A. GRCh37 (hg19) VCF-style: chr10-64960300-G-A.
Other names: c.4666C>T, p.Arg1556Cys (NM_001282948.2, NM_001318154.2); c.4348C>T, p.Arg1450Cys (NM_001318153.2); c.5098C>T, p.Arg1700Cys (NM_001322252.2); c.4555C>T, p.Arg1519Cys (NM_001322254.2, NM_001322258.2); short protein forms R1738C, R1450C, R1519C, R1556C, R1700C.
Identifiers: ClinVar variation 947516 (VCV000947516.9), dbSNP rs770904355, ClinGen allele CA5518133.

ClinVar aggregate classification (germline): Uncertain significance (1 of 4 stars; one submission).

Conditions:
Early Myoclonic Encephalopathy. Identifiers: MedGen C0270855.

Allele frequency attached by ClinVar (database versions not stated): gnomAD exomes below 0.00001; ExAC 0.00001.
gnomAD v4.1: 1 of 1,613,782 alleles (0.000062%); highest among the groups gnomAD compares: South Asian, 0.0011%; no homozygotes.

Submission:

Labcorp Genetics (formerly Invitae), Labcorp
Classification: Uncertain significance for Early Myoclonic Encephalopathy. Last evaluated: 2019-06-24. Review status: criteria provided, single submitter. Criteria: Invitae Variant Classification Sherloc (09022015). Collection method: clinical testing. Allele origin: germline.
Comment: In summary, the available evidence is currently insufficient to determine the role of this variant in disease. Therefore, it has been classified as a Variant of Uncertain Significance. Algorithms developed to predict the effect of missense changes on protein structure and function are either unavailable or do not agree on the potential impact of this missense change (SIFT: "Deleterious"; PolyPhen-2: "Probably Damaging"; Align-GVGD: "Class C15"). This variant has not been reported in the literature in individuals with JMJD1C-related conditions. This variant is present in population databases (rs770904355, ExAC 0.006%). This sequence change replaces arginine with cysteine at codon 1738 of the JMJD1C protein (p.Arg1738Cys). The arginine residue is highly conserved and there is a large physicochemical difference between arginine and cysteine.